The following is an entry in ClinVar:

NM_000152.5(GAA):c.2303C>G (p.Pro768Arg)

Gene: GAA (alpha glucosidase; plus strand). Cytogenetic location: 17q25.3.
Variant type: single nucleotide variant.
Coding change: c.2303C>G on transcript NM_000152.5 (MANE Select); coding-DNA position 2303, C replaced by G.
Protein change: p.Pro768Arg; replaces proline 768 with arginine.
Molecular consequence: missense variant.
Genome position (GRCh38, 1-based): chr17:80,117,081, C>G. VCF-style: chr17-80117081-C-G. GRCh37 (hg19) VCF-style: chr17-78090880-C-G.
Other names: c.2303C>G, p.Pro768Arg (NM_001079803.3, NM_001079804.3, NM_001406741.1 and 1 more transcripts); short protein forms P768R.
Identifiers: ClinVar variation 2675759 (VCV002675759.3), dbSNP rs2510396780, ClinGen allele CA401324899.

ClinVar aggregate classification (germline): Likely pathogenic. Review status: criteria provided, multiple submitters, no conflicts (2 of 4 stars). 3 submissions from 3 submitters: Likely pathogenic (3). Last evaluated 2026-07-01.

Conditions:
Glycogen storage disease, type II (IOPD). Also called: CARDIOMEGALIA GLYCOGENICA DIFFUSA; GLYCOGENOSIS, GENERALIZED, CARDIAC FORM; GSD II; Glycogen storage disease type 2; Acid maltase deficiency disease; Aglucosidase alfa. Identifiers: Orphanet 365, MedGen C0017921, MONDO:0009290, OMIM 232300.

Submissions (3):

Genomenon, Inc
Classification: Likely pathogenic for Glycogen storage disease, type II. Last evaluated: 2026-07-01. Review status: criteria provided, single submitter. Criteria: Genomenon Sequence Variant Interpretation Standards - Updated. Collection method: curation. Allele origin: germline. Affected: yes.
Comment: GAA p.Pro768Arg (c.2303C>G) is a missense variant that changes the amino acid at codon 768 from Proline to Arginine. This variant has been observed in at least one proband with a GAA-related disorder in the compound heterozygous and/or homozygous state (PMID:9521422). At least one functional study has demonstrated a substantial alteration in protein function relative to the wild-type (PMID:19862843;9521422). It is absent or not present at a significant frequency in gnomAD. In silico models predict that this variant is possibly or probably damaging. In conclusion, we classify GAA p.Pro768Arg (c.2303C>G) as a likely pathogenic variant.

Women's Health and Genetics/Laboratory Corporation of America, LabCorp
Classification: Likely pathogenic for Glycogen storage disease, type II. Last evaluated: 2024-12-27. Review status: criteria provided, single submitter. Criteria: LabCorp Variant Classification Summary - May 2015. Collection method: clinical testing. Allele origin: germline.
Comment: Variant summary: GAA c.2303C>G (p.Pro768Arg) results in a non-conservative amino acid change in the encoded protein sequence. Five of five in-silico tools predict a damaging effect of the variant on protein function. The variant was absent in 249766 control chromosomes (gnomAD). c.2303C>G has been reported in the literature in an individual affected with Glycogen Storage Disease, Type 2 (Pompe Disease; Hermans_1998). These data indicate that the variant may be associated with disease. At least one publication reports experimental evidence evaluating an impact on protein function. The most pronounced variant effect results in <10% of normal activity (Hermans_1998). The following publications have been ascertained in the context of this evaluation (PMID: 7603530, 9521422). ClinVar contains an entry for this variant (Variation ID: 2675759). Based on the evidence outlined above, the variant was classified as likely pathogenic.

Baylor Genetics
Classification: Likely pathogenic for Glycogen storage disease, type II. Last evaluated: 2023-09-09. Review status: criteria provided, single submitter. Criteria: ACMG Guidelines, 2015. Collection method: clinical testing. Allele origin: unknown.

Literature cited by the submitters: PubMed 9521422 (cited by Genomenon, Inc and Women's Health and Genetics/Laboratory Corporation of America, LabCorp); PubMed 19862843 (cited by Genomenon, Inc); PubMed 7603530 (cited by Women's Health and Genetics/Laboratory Corporation of America, LabCorp).